The following is an entry in ClinVar:

ClinVar aggregate classification (germline): Likely pathogenic. Review status: criteria provided, multiple submitters, no conflicts (2 of 4 stars). 3 submissions from 3 submitters: Likely pathogenic (3). Last evaluated 2025-04-15.

Conditions:
Nemaline myopathy 8 (NEM8). Also called: Nemaline myopathy 8, autosomal recessive. Identifiers: Orphanet 171430, MedGen C3809209, MONDO:0014138, OMIM 615348.

gnomAD v4.1: 2 of 1,612,058 alleles (0.00012%); highest among the groups gnomAD compares: Non-Finnish European, 0.00017%; no homozygotes.

Submissions (3):

Victorian Clinical Genetics Services, Murdoch Childrens Research Institute
Classification: Likely pathogenic for Nemaline myopathy 8. Last evaluated: 2025-04-15. Review status: criteria provided, single submitter. Criteria: ACMG Guidelines, 2015. Collection method: clinical testing. Allele origin: germline. Affected: no.
Comment: This variant is classified as Likely pathogenic. Evidence in support of pathogenic classification: Variant is present in gnomAD <0.01 for a recessive condition (v4: 2 heterozygote(s), 0 homozygote(s)) ; This variant has limited previous evidence of pathogenicity in an unrelated individual(s). It has been classified as likely pathogenic by two clinical laboratories (ClinVar); Missense variant predicted to be damaging by in silico tool(s) or highly conserved with a major amino acid change. Additional information: Variant is predicted to result in a missense amino acid change from arginine to proline; This variant is heterozygous; This gene is associated with autosomal recessive disease; Alternative amino acid change(s) at the same position are present in gnomAD (highest allele count: v4: 3 heterozygote(s), 0 homozygote(s)) ; No published segregation evidence has been identified for this variant; No published functional evidence has been identified for this variant; No comparable missense variants have previous evidence for pathogenicity; Variant is located in the annotated BTB/POZ domain (DECIPHER); Loss of function is a known mechanism of disease in this gene and is associated with nemaline myopathy 8 (MIM#615348).

Concord Molecular Medicine Laboratory, Concord Repatriation General Hospital
Classification: Likely pathogenic for Nemaline myopathy 8. Last evaluated: 2024-03-13. Review status: criteria provided, single submitter. Criteria: ACMG Guidelines, 2015. Collection method: clinical testing. Allele origin: germline. Inheritance: Autosomal recessive inheritance. Affected: yes. Observed: 1 homozygote.
Comment: This is a rare variant not found in control population (gnomAD v4). The variant is located within the BTB/POZ domain in the KLHL40 protein. In silico analysis suggests this variant to be pathogenic (REVEL 0.72).

Institute of Human Genetics Munich, TUM University Hospital
Classification: Likely pathogenic for Nemaline myopathy 8. Last evaluated: 2018-05-23. Review status: criteria provided, single submitter. Criteria: Classification criteria August 2017. Collection method: clinical testing. Allele origin: inherited. Inheritance: Autosomal recessive inheritance. Affected: yes. Observed: 1 homozygote.

NM_152393.4(KLHL40):c.176G>C (p.Arg59Pro)

Gene: KLHL40 (kelch like family member 40; plus strand). Cytogenetic location: 3p22.1.
Variant type: single nucleotide variant.
Coding change: c.176G>C on transcript NM_152393.4 (MANE Select); coding-DNA position 176, G replaced by C.
Protein change: p.Arg59Pro; replaces arginine 59 with proline.
Molecular consequence: missense variant.
Genome position (GRCh38, 1-based): chr3:42,685,794, G>C. VCF-style: chr3-42685794-G-C. GRCh37 (hg19) VCF-style: chr3-42727286-G-C.
Other names: short protein forms R59P.
Identifiers: ClinVar variation 807621 (VCV000807621.6), dbSNP rs778303947, ClinGen allele CA352288843.